The following is an entry in ClinVar:

ClinVar aggregate classification (germline): Uncertain significance. Review status: criteria provided, multiple submitters, no conflicts (2 of 4 stars). 3 submissions from 3 submitters: Uncertain significance (3). Last evaluated 2025-04-09.

Conditions:
Cardiovascular phenotype. Identifiers: MedGen CN230736.
DK1-congenital disorder of glycosylation. Also called: CDG Im; DK1 DEFICIENCY; DOLICHOL KINASE DEFICIENCY; CONGENITAL DISORDER OF GLYCOSYLATION, TYPE Im; DK1-CDG; DOLK-congenital disorder of glycosylation. Identifiers: Orphanet 91131, MedGen C1835849, MONDO:0012556, OMIM 610768.

Allele frequency attached by ClinVar (database versions not stated): TOPMed 0.00001.
gnomAD v4.1: 5 of 1,613,018 alleles (0.00031%); highest among the groups gnomAD compares: Non-Finnish European, 0.00042%; no homozygotes.

Submissions (3):

Molecular Diagnostic Laboratory for Inherited Cardiovascular Disease, Montreal Heart Institute
Classification: Uncertain significance for Cardiovascular phenotype. Last evaluated: 2025-04-09. Review status: criteria provided, single submitter. Criteria: ACMG Guidelines, 2015. Collection method: clinical testing. Allele origin: germline. Affected: yes.
Comment: PM2, BP4

Labcorp Genetics (formerly Invitae), Labcorp
Classification: Uncertain significance for DK1-congenital disorder of glycosylation. Last evaluated: 2021-10-09. Review status: criteria provided, single submitter. Criteria: Invitae Variant Classification Sherloc (09022015). Collection method: clinical testing. Allele origin: germline.
Comment: This sequence change replaces proline with serine at codon 8 of the DOLK protein (p.Pro8Ser). The proline residue is weakly conserved and there is a moderate physicochemical difference between proline and serine. This variant is present in population databases (rs565096448, ExAC 0.005%). This variant has not been reported in the literature in individuals affected with DOLK-related conditions. Algorithms developed to predict the effect of missense changes on protein structure and function are either unavailable or do not agree on the potential impact of this missense change (SIFT: "Tolerated"; PolyPhen-2: "Possibly Damaging"; Align-GVGD: "Class C0"). In summary, the available evidence is currently insufficient to determine the role of this variant in disease. Therefore, it has been classified as a Variant of Uncertain Significance.

GeneDx
Classification: Uncertain significance. Last evaluated: 2019-11-12. Review status: criteria provided, single submitter. Criteria: GeneDx Variant Classification Process June 2021. Collection method: clinical testing. Allele origin: germline. Affected: yes.
Comment: Not observed at a significant frequency in large population cohorts (Lek et al., 2016); In silico analysis, which includes protein predictors and evolutionary conservation, supports that this variant does not alter protein structure/function; Has not been previously published as pathogenic or benign to our knowledge

NM_014908.4(DOLK):c.22C>T (p.Pro8Ser)

Gene: DOLK (dolichol kinase; minus strand). Cytogenetic location: 9q34.11.
Variant type: single nucleotide variant.
Coding change: c.22C>T on transcript NM_014908.4 (MANE Select); coding-DNA position 22, C replaced by T.
Protein change: p.Pro8Ser; replaces proline 8 with serine.
Molecular consequence: missense variant.
Genome position (GRCh38, 1-based): chr9:128,947,282, G>A on the plus strand (C>T on the coding strand, the complement: DOLK is on the minus strand). VCF-style: chr9-128947282-G-A. GRCh37 (hg19) VCF-style: chr9-131709561-G-A.
Other names: short protein forms P8S.
Identifiers: ClinVar variation 1310241 (VCV001310241.7), dbSNP rs565096448, ClinGen allele CA5271810.
Genomic context (GRCh38, chr9:128,947,282, plus strand): 5'-ACACTACTGCCGCCTCTGCCAGCACCGATCCACTCAGCGGAGCCCCAGGCCCCGGGGCCG[G>A]AGATGGGCACTCTCGGGTCATATCTCTAGACCTGGGGCTTCACGGAGGCCGGGGCGACTA-3'
Protein context (NP_055723.1, residues 1-18): MTRECPS[Pro8Ser]APGPGAPLSG